The following is an entry in ClinVar:

ClinVar aggregate classification (germline): Conflicting classifications of pathogenicity. Review status: criteria provided, conflicting classifications (1 of 4 stars). 7 submissions from 7 submitters: Uncertain significance (3); Likely benign (3). 1 of the submissions does not count toward it. Last evaluated 2026-01-28.

Conditions:
Glycogen storage disease, type V (GSD5). Also called: MCARDLE DISEASE; MUSCLE GLYCOGEN PHOSPHORYLASE DEFICIENCY; MYOPHOSPHORYLASE DEFICIENCY; PYGM DEFICIENCY; McArdle type glycogen storage disease. Identifiers: Orphanet 368, MedGen C0017924, MONDO:0009293, OMIM 232600.

Allele frequency attached by ClinVar (database versions not stated): gnomAD 0.00020 and 0.00022; TOPMed 0.00022; ExAC 0.00026; gnomAD exomes 0.00035 and 0.00019; ESP Exome Variant Server 0.00015.
gnomAD v4.1: 354 of 1,613,942 alleles (0.022%); highest among the groups gnomAD compares: Middle Eastern, 0.082%; no homozygotes.

Submissions (8):

Labcorp Genetics (formerly Invitae), Labcorp
Classification: Likely benign for Glycogen storage disease, type V. Last evaluated: 2026-01-28. Review status: criteria provided, single submitter. Criteria: Invitae Variant Classification Sherloc (09022015). Collection method: clinical testing. Allele origin: germline.

Blueprint Genetics
Classification: Likely benign. Last evaluated: 2024-09-06. Review status: criteria provided, single submitter. Criteria: ACMG Guidelines, 2015. Collection method: clinical testing. Allele origin: germline.

CeGaT Center for Human Genetics Tuebingen
Classification: Uncertain significance. Last evaluated: 2023-03-01. Review status: criteria provided, single submitter. Criteria: CeGaT Center For Human Genetics Tuebingen Variant Classification Criteria Version 2. Collection method: clinical testing. Allele origin: germline. Affected: yes. Observed: 1 variant allele.
Comment: PYGM: PM2:Supporting, BP4

Revvity Omics, Revvity
Classification: Uncertain significance for Glycogen storage disease, type V. Last evaluated: 2022-08-31. Review status: criteria provided, single submitter. Criteria: ACMG Guidelines, 2015. Collection method: clinical testing. Allele origin: germline.

GeneDx
Classification: Likely benign. Last evaluated: 2018-02-26. Review status: criteria provided, single submitter. Criteria: GeneDx Variant Classification (06012015). Collection method: clinical testing. Allele origin: germline. Affected: yes.
Comment: This variant is considered likely benign or benign based on one or more of the following criteria: it is a conservative change, it occurs at a poorly conserved position in the protein, it is predicted to be benign by multiple in silico algorithms, and/or has population frequency not consistent with disease.

Illumina Laboratory Services, Illumina
Classification: Uncertain significance for Glycogen storage disease, type V. Last evaluated: 2018-01-12. Review status: criteria provided, single submitter. Criteria: ICSL Variant Classification Criteria 13 December 2019. Collection method: clinical testing. Allele origin: germline.

Natera, Inc.
Classification: Likely benign for Glycogen storage disease V. Last evaluated: 2020-04-14. Review status: no assertion criteria provided. Collection method: clinical testing. Allele origin: germline. Not counted in ClinVar's aggregate classification.

Dr. Peter K. Rogan Lab, Western University
No classification provided (evidence only). Condition: Lung cancer. Review status: no classification provided. Collection method: in vitro. Allele origin: not applicable. Functional consequence: skipped exon. Not counted in ClinVar's aggregate classification.

NM_005609.4(PYGM):c.2177+7G>A

Gene: PYGM (glycogen phosphorylase, muscle associated; minus strand). Cytogenetic location: 11q13.1.
Variant type: single nucleotide variant.
Coding change: c.2177+7G>A on transcript NM_005609.4 (MANE Select); 7 bases into the intron after coding-DNA position 2177, G replaced by A.
Molecular consequence: intron variant.
Genome position (GRCh38, 1-based): chr11:64,750,369, C>T on the plus strand (G>A on the coding strand, the complement: PYGM is on the minus strand). VCF-style: chr11-64750369-C-T. GRCh37 (hg19) VCF-style: chr11-64517841-C-T.
Other names: c.1913+7G>A (NM_001164716.1).
Identifiers: ClinVar variation 305270 (VCV000305270.49), dbSNP rs201366697, ClinGen allele CA6079623.
Genomic context (GRCh38, chr11:64,750,369, plus strand): 5'-GCTCCCAGCACCACTCTCCAGCAGCCACACCTGGGTGTCTTTTGCCCGTGAACCCTGACC[C>T]CCATACCCTCTTTGGTCAAGCTTATCCACATCCTCCACCCGCATGCCAAAGATGAAGAAG-3'